The following is an entry in ClinVar:

ClinVar aggregate classification (germline): Uncertain significance (1 of 4 stars; one submission).

Conditions:
Hereditary spastic paraplegia 6 (SPG6). Also called: SPASTIC PARAPLEGIA 6, AUTOSOMAL DOMINANT. Identifiers: Orphanet 100988, MedGen C1838192, MONDO:0010878, OMIM 600363.

Allele frequency attached by ClinVar (database versions not stated): gnomAD exomes 0.00001.

Submission:

Labcorp Genetics (formerly Invitae), Labcorp
Classification: Uncertain significance for Hereditary spastic paraplegia 6. Last evaluated: 2022-07-12. Review status: criteria provided, single submitter. Criteria: Invitae Variant Classification Sherloc (09022015). Collection method: clinical testing. Allele origin: germline.
Comment: This variant has not been reported in the literature in individuals affected with NIPA1-related conditions. In summary, the available evidence is currently insufficient to determine the role of this variant in disease. Therefore, it has been classified as a Variant of Uncertain Significance. Algorithms developed to predict the effect of missense changes on protein structure and function are either unavailable or do not agree on the potential impact of this missense change (SIFT: "Tolerated"; PolyPhen-2: "Probably Damaging"; Align-GVGD: "Class C0"). ClinVar contains an entry for this variant (Variation ID: 1502711). This variant is not present in population databases (gnomAD no frequency). This sequence change replaces valine, which is neutral and non-polar, with methionine, which is neutral and non-polar, at codon 41 of the NIPA1 protein (p.Val41Met).

NM_144599.5(NIPA1):c.121G>A (p.Val41Met)

Genes: NIPA1 (NIPA magnesium transporter 1; plus strand), LOC130056709 (ATAC-STARR-seq lymphoblastoid silent region 6259; plus strand). Cytogenetic location: 15q11.2.
Variant type: single nucleotide variant.
Coding change: c.121G>A on transcript NM_144599.5 (MANE Select); coding-DNA position 121, G replaced by A.
Protein change: p.Val41Met; replaces valine 41 with methionine.
Molecular consequence: missense variant. On other transcripts: intron variant (1).
Genome position (GRCh38, 1-based): chr15:22,786,777, G>A. VCF-style: chr15-22786777-G-A. GRCh37 (hg19) VCF-style: chr15-23086291-C-T.
Other names: c.-48+529G>A (NM_001142275.1); short protein forms V41M.
Identifiers: ClinVar variation 1502711 (VCV001502711.8), dbSNP rs2140841479, ClinGen allele CA391298751.